The following is an entry in ClinVar:

NM_032119.4(ADGRV1):c.10620T>G (p.Ser3540=)

Gene: ADGRV1 (adhesion G protein-coupled receptor V1; plus strand). Cytogenetic location: 5q14.3.
Variant type: single nucleotide variant.
Coding change: c.10620T>G on transcript NM_032119.4 (MANE Select); coding-DNA position 10620, T replaced by G.
Protein change: p.Ser3540=; no amino-acid change (serine 3540 retained).
Molecular consequence: synonymous variant. On other transcripts: non-coding transcript variant (1).
Genome position (GRCh38, 1-based): chr5:90,745,116, T>G. VCF-style: chr5-90745116-T-G. GRCh37 (hg19) VCF-style: chr5-90040933-T-G.
Identifiers: ClinVar variation 513068 (VCV000513068.14), dbSNP rs775321108, ClinGen allele CA3340799.

ClinVar aggregate classification (germline): Likely benign. Review status: criteria provided, multiple submitters, no conflicts (2 of 4 stars). 4 submissions from 4 submitters: Likely benign (3). 1 of the submissions does not count toward it. Last evaluated 2025-05-27.

Conditions:
ADGRV1-related disorder. Also called: ADGRV1-related disorders; ADGRV1-related condition.

Allele frequency attached by ClinVar (database versions not stated): ExAC 0.00002; gnomAD exomes 0.00002; TOPMed 0.00002; gnomAD 0.00003 and 0.00004.
gnomAD v4.1: 60 of 1,613,708 alleles (0.0037%); highest among the groups gnomAD compares: Non-Finnish European, 0.0051%; no homozygotes.

Submissions (4):

Labcorp Genetics (formerly Invitae), Labcorp
Classification: Likely benign. Last evaluated: 2025-05-27. Review status: criteria provided, single submitter. Criteria: Invitae Variant Classification Sherloc (09022015). Collection method: clinical testing. Allele origin: germline.

Blueprint Genetics
Classification: Likely benign. Last evaluated: 2022-09-12. Review status: criteria provided, single submitter. Criteria: ACMG Guidelines, 2015. Collection method: clinical testing. Allele origin: germline.

GeneDx
Classification: Likely benign. Last evaluated: 2019-03-05. Review status: criteria provided, single submitter. Criteria: GeneDx Variant Classification Process June 2021. Collection method: clinical testing. Allele origin: germline. Affected: yes.

PreventionGenetics, part of Exact Sciences
Classification: Likely benign for ADGRV1-related condition. Last evaluated: 2024-09-10. Review status: no assertion criteria provided. Collection method: clinical testing. Allele origin: germline. Not counted in ClinVar's aggregate classification.
Comment: This variant is classified as likely benign based on ACMG/AMP sequence variant interpretation guidelines (Richards et al. 2015 PMID: 25741868, with internal and published modifications).